The following is an entry in ClinVar:

ClinVar aggregate classification (germline): Likely benign (1 of 4 stars; one submission).

Conditions:
NRG1-related disorder. Also called: NRG1-related condition.

gnomAD v4.1: 744 of 1,612,368 alleles (0.046%); highest among the groups gnomAD compares: South Asian, 0.15%; 1 homozygote.

Submission:

PreventionGenetics, part of Exact Sciences
Classification: Likely benign for NRG1-related condition. Last evaluated: 2025-02-17. Review status: criteria provided, single submitter. Criteria: ACMG Guidelines, 2015. Collection method: clinical testing. Allele origin: germline.
Comment: This variant is classified as likely benign based on ACMG/AMP sequence variant interpretation guidelines (Richards et al. 2015 PMID: 25741868, with internal and published modifications).

NM_013964.5(NRG1):c.1352A>G (p.Glu451Gly)

Gene: NRG1 (neuregulin 1; plus strand). Cytogenetic location: 8p12.
Variant type: single nucleotide variant.
Coding change: c.1352A>G on transcript NM_013964.5 (MANE Select); coding-DNA position 1352, A replaced by G.
Protein change: p.Glu451Gly; replaces glutamic acid 451 with glycine.
Molecular consequence: missense variant. On other transcripts: 3 prime UTR variant (4).
Genome position (GRCh38, 1-based): chr8:32,763,831, A>G. VCF-style: chr8-32763831-A-G. GRCh37 (hg19) VCF-style: chr8-32621349-A-G.
Other names: c.1253A>G, p.Glu418Gly (NM_001159995.3); c.*105A>G (NM_001159996.3, NM_001160004.3, NM_001322206.2 and 1 more transcripts); c.1304A>G, p.Glu435Gly (NM_001159999.3); c.1202A>G, p.Glu401Gly (NM_001160001.3); c.881A>G, p.Glu294Gly (NM_001322197.2); c.578A>G, p.Glu193Gly (NM_001322201.2, NM_001322202.2); c.1532A>G, p.Glu511Gly (NM_001322205.2); c.1367A>G, p.Glu456Gly (NM_013956.5); and 1 more; short protein forms E294G, E418G, E435G, E193G, E401G, E451G, E456G, E448G.
Identifiers: ClinVar variation 4980403 (VCV004980403.1).